The following is an entry in ClinVar:

NM_178857.6(RP1L1):c.3615C>T (p.Ser1205=)

Gene: RP1L1 (RP1 like 1). Cytogenetic location: 8p23.1.
Variant type: single nucleotide variant.
Coding change: c.3615C>T on transcript NM_178857.6 (MANE Select); coding-DNA position 3615, C replaced by T.
Protein change: p.Ser1205=; no amino-acid change (serine 1205 retained).
Molecular consequence: synonymous variant.
Genome position (GRCh38, 1-based): chr8:10,610,483, G>A on the plus strand (C>T on the coding strand, the complement: RP1L1 is on the minus strand). VCF-style: chr8-10610483-G-A. GRCh37 (hg19) VCF-style: chr8-10467993-G-A.
Identifiers: ClinVar variation 3058413 (VCV003058413.3), dbSNP rs368149860, ClinGen allele CA4624427.
Genomic context (GRCh38, chr8:10,610,483, plus strand): 5'-TGTCACCAGGGTGCCGTCCATGGCACAGGGTACGCTACTCTCCCCTGAGCCTCCAGAGCC[G>A]CTGCTGATGTCCACACCAGAGGAGGATGTGGGCGTGAAGTTCTCCGTCATGGCATGGGAC-3'
Protein context (NP_849188.4, residues 1195-1215): PTSSSGVDIS[Ser1205=]GSGGSGESSV

ClinVar aggregate classification (germline): Likely benign. Review status: criteria provided, single submitter (1 of 4 stars). 2 submissions from 2 submitters: Likely benign (1). 1 of the submissions does not count toward it. Last evaluated 2024-10-03.

Conditions:
RP1L1-related disorder. Also called: RP1L1-related condition.

Allele frequency attached by ClinVar (database versions not stated): TOPMed 0.00004; gnomAD exomes 0.00005; gnomAD 0.00006; ESP Exome Variant Server 0.00008; ExAC 0.00010.
gnomAD v4.1: 88 of 1,613,600 alleles (0.0055%); highest among the groups gnomAD compares: South Asian, 0.034%; no homozygotes.

Submissions (2):

Blueprint Genetics
Classification: Likely benign. Last evaluated: 2024-10-03. Review status: criteria provided, single submitter. Criteria: ACMG Guidelines, 2015. Collection method: clinical testing. Allele origin: germline.

PreventionGenetics, part of Exact Sciences
Classification: Likely benign for RP1L1-related condition. Last evaluated: 2019-02-28. Review status: no assertion criteria provided. Collection method: clinical testing. Allele origin: germline. Not counted in ClinVar's aggregate classification.
Comment: This variant is classified as likely benign based on ACMG/AMP sequence variant interpretation guidelines (Richards et al. 2015 PMID: 25741868, with internal and published modifications).